The following is an entry in ClinVar:

ClinVar aggregate classification (germline): Likely pathogenic (1 of 4 stars; one submission).

Conditions:
Kleefstra syndrome 1 (KLEFS1). Identifiers: Orphanet 261494, MedGen C0795833, MONDO:0027407, OMIM 610253.

Submission:

Labcorp Genetics (formerly Invitae), Labcorp
Classification: Likely pathogenic for Kleefstra syndrome 1. Last evaluated: 2021-12-11. Review status: criteria provided, single submitter. Criteria: Invitae Variant Classification Sherloc (09022015). Collection method: clinical testing. Allele origin: germline.
Comment: In summary, the currently available evidence indicates that the variant is pathogenic, but additional data are needed to prove that conclusively. Therefore, this variant has been classified as Likely Pathogenic. This variant has not been reported in the literature in individuals affected with EHMT1-related conditions. This sequence change affects an acceptor splice site in intron 3 of the EHMT1 gene. It is expected to disrupt RNA splicing. Variants that disrupt the donor or acceptor splice site typically lead to a loss of protein function (PMID: 16199547), and loss-of-function variants in EHMT1 are known to be pathogenic (PMID: 16826528, 19264732). This variant is not present in population databases (gnomAD no frequency). Algorithms developed to predict the effect of sequence changes on RNA splicing suggest that this variant may disrupt the consensus splice site.

Literature cited by the submitters: PubMed 16199547; PubMed 16826528; PubMed 19264732.

NM_024757.5(EHMT1):c.643-1G>A

Gene: EHMT1 (euchromatic histone lysine methyltransferase 1; plus strand). Cytogenetic location: 9q34.3.
Variant type: single nucleotide variant.
Coding change: c.643-1G>A on transcript NM_024757.5 (MANE Select); the canonical splice acceptor site of the intron before coding-DNA position 643, G replaced by A.
Molecular consequence: splice acceptor variant.
Genome position (GRCh38, 1-based): chr9:137,728,348, G>A. VCF-style: chr9-137728348-G-A. GRCh37 (hg19) VCF-style: chr9-140622800-G-A.
Other names: c.643-1G>A (NM_001354263.2, NM_001145527.2, NM_001354611.2); c.550-1G>A (NM_001354259.2, NM_001354612.2).
Identifiers: ClinVar variation 2039634 (VCV002039634.4), dbSNP rs2541309055, ClinGen allele CA375771498.